The following is an entry in ClinVar:

ClinVar aggregate classification (germline): Conflicting classifications of pathogenicity. Review status: criteria provided, conflicting classifications (1 of 4 stars). 2 submissions from 2 submitters: Uncertain significance (1); Likely benign (1). Last evaluated 2025-02-19.

gnomAD v4.1: 26 of 1,609,412 alleles (0.0016%); highest among the groups gnomAD compares: Non-Finnish European, 0.0022%; no homozygotes.

Submissions (2):

Women's Health and Genetics/Laboratory Corporation of America, LabCorp
Classification: Uncertain significance. Last evaluated: 2025-02-19. Review status: criteria provided, single submitter. Criteria: LabCorp Variant Classification Summary - May 2015. Collection method: clinical testing. Allele origin: germline.
Comment: Variant summary: COL4A1 c.3877-8G>T alters a non-conserved nucleotide located close to a canonical splice site and therefore could affect mRNA splicing, leading to a significantly altered protein sequence. Consensus agreement among computation tools predict no significant impact on normal splicing. However, these predictions have yet to be confirmed by functional studies. The variant allele was found at a frequency of 4e-06 in 251204 control chromosomes. The available data on variant occurrences in the general population are insufficient to allow any conclusion about variant significance. To our knowledge, no occurrence of c.3877-8G>T in individuals affected with Porencephaly 1 and no experimental evidence demonstrating its impact on protein function have been reported. ClinVar contains an entry for this variant (Variation ID: 2083444). Based on the evidence outlined above, the variant was classified as uncertain significance.

Labcorp Genetics (formerly Invitae), Labcorp
Classification: Likely benign. Last evaluated: 2024-10-03. Review status: criteria provided, single submitter. Criteria: Invitae Variant Classification Sherloc (09022015). Collection method: clinical testing. Allele origin: germline.

NM_001845.6(COL4A1):c.3877-8G>T

Gene: COL4A1 (collagen type IV alpha 1 chain; minus strand). Cytogenetic location: 13q34.
Variant type: single nucleotide variant.
Coding change: c.3877-8G>T on transcript NM_001845.6 (MANE Select); 8 bases into the intron before coding-DNA position 3877, G replaced by T.
Molecular consequence: intron variant.
Genome position (GRCh38, 1-based): chr13:110,167,238, C>A on the plus strand (G>T on the coding strand, the complement: COL4A1 is on the minus strand). VCF-style: chr13-110167238-C-A. GRCh37 (hg19) VCF-style: chr13-110819585-C-A.
Identifiers: ClinVar variation 2083444 (VCV002083444.5), dbSNP rs370539477, ClinGen allele CA612622119.
Genomic context (GRCh38, chr13:110,167,238, plus strand): 5'-GGAGGCCCCATATCACCCTTAGAGCCTGTGATTCCTGGAGAGCCACCAATACCCTAGACA[C>A]GCAAAGAGGAGGTTGGGAATTGCTCAGGATATGTAGGTTAAGTCTCTCCAGTAACCTGCT-3'